The following is an entry in ClinVar:

ClinVar aggregate classification (germline): Uncertain significance (1 of 4 stars; one submission).

Conditions:
Fanconi anemia (FA). Also called: Fanconi's anemia. Identifiers: Orphanet 84, MedGen C0015625, MeSH D005199, MONDO:0019391.

Allele frequency attached by ClinVar (database versions not stated): gnomAD exomes below 0.00001.
gnomAD v4.1: 2 of 1,614,120 alleles (0.00012%); highest among the groups gnomAD compares: Admixed American, 0.0033%; no homozygotes.

Submission:

Labcorp Genetics (formerly Invitae), Labcorp
Classification: Uncertain significance for Fanconi anemia. Last evaluated: 2024-11-24. Review status: criteria provided, single submitter. Criteria: Invitae Variant Classification Sherloc (09022015). Collection method: clinical testing. Allele origin: germline.
Comment: This sequence change replaces serine, which is neutral and polar, with alanine, which is neutral and non-polar, at codon 536 of the FANCA protein (p.Ser536Ala). This variant is present in population databases (no rsID available, gnomAD 0.006%). This variant has not been reported in the literature in individuals affected with FANCA-related conditions. ClinVar contains an entry for this variant (Variation ID: 2972427). Invitae Evidence Modeling of protein sequence and biophysical properties (such as structural, functional, and spatial information, amino acid conservation, physicochemical variation, residue mobility, and thermodynamic stability) indicates that this missense variant is not expected to disrupt FANCA protein function with a negative predictive value of 95%. In summary, the available evidence is currently insufficient to determine the role of this variant in disease. Therefore, it has been classified as a Variant of Uncertain Significance.

NM_000135.4(FANCA):c.1606T>G (p.Ser536Ala)

Gene: FANCA (FA complementation group A; minus strand). Cytogenetic location: 16q24.3.
Variant type: single nucleotide variant.
Coding change: c.1606T>G on transcript NM_000135.4 (MANE Select); coding-DNA position 1606, T replaced by G.
Protein change: p.Ser536Ala; replaces serine 536 with alanine.
Molecular consequence: missense variant.
Genome position (GRCh38, 1-based): chr16:89,782,879, A>C on the plus strand (T>G on the coding strand, the complement: FANCA is on the minus strand). VCF-style: chr16-89782879-A-C. GRCh37 (hg19) VCF-style: chr16-89849287-A-C.
Other names: c.1606T>G, p.Ser536Ala (NM_001286167.3); short protein forms S536A.
Identifiers: ClinVar variation 2972427 (VCV002972427.3), dbSNP rs1292942037, ClinGen allele CA397457950.
Genomic context (GRCh38, chr16:89,782,879, plus strand): 5'-CGTGACTGGCTGAGACCCTGCAGGGCTCAAGCAACATTACCTCAGTAATGTCCCCAGCTG[A>C]TGACAAATCCTCGTAGAGTCCCATGTTTTCTATAGAAACCTTCAGGGAAGACACAGAATG-3'
Protein context (NP_000126.2, residues 526-546): ENMGLYEDLS[Ser536Ala]AGDITEPHSQ